The following is an entry in ClinVar:

NM_001077653.2(TBX20):c.1003+1G>A

Gene: TBX20 (T-box transcription factor 20; minus strand). Cytogenetic location: 7p14.2.
Variant type: single nucleotide variant.
Coding change: c.1003+1G>A on transcript NM_001077653.2 (MANE Select); the canonical splice donor site of the intron after coding-DNA position 1003, G replaced by A.
Molecular consequence: splice donor variant.
Genome position (GRCh38, 1-based): chr7:35,204,469, C>T on the plus strand (G>A on the coding strand, the complement: TBX20 is on the minus strand). VCF-style: chr7-35204469-C-T. GRCh37 (hg19) VCF-style: chr7-35244081-C-T.
Identifiers: ClinVar variation 3379747 (VCV003379747.1).

ClinVar aggregate classification (germline): Uncertain significance (1 of 4 stars; one submission).

Submission:

Mayo Clinic Laboratories, Mayo Clinic
Classification: Uncertain significance. Last evaluated: 2024-03-07. Review status: criteria provided, single submitter. Criteria: ACMG Guidelines, 2015. Collection method: clinical testing. Allele origin: germline. Observed: 1 variant allele.
Comment: PP3, PM2, PVS1_moderate